The following is an entry in ClinVar:

ClinVar aggregate classification (germline): Likely pathogenic (1 of 4 stars; one submission).

Conditions:
Episodic kinesigenic dyskinesia (EKD). Also called: Paroxysmal kinesigenic dyskinesia. Identifiers: Orphanet 98809, MedGen C1868682, MONDO:0044202.

Submission:

Labcorp Genetics (formerly Invitae), Labcorp
Classification: Likely pathogenic for Episodic kinesigenic dyskinesia. Last evaluated: 2021-01-30. Review status: criteria provided, single submitter. Criteria: Invitae Variant Classification Sherloc (09022015). Collection method: clinical testing. Allele origin: germline.
Comment: In summary, the currently available evidence indicates that the variant is pathogenic, but additional data are needed to prove that conclusively. Therefore, this variant has been classified as Likely Pathogenic. Donor and acceptor splice site variants typically lead to a loss of protein function (PMID: 16199547), and loss-of-function variants in PRRT2 are known to be pathogenic (PMID: 22623405, 22744660). Algorithms developed to predict the effect of sequence changes on RNA splicing suggest that this variant may disrupt the consensus splice site, but this prediction has not been confirmed by published transcriptional studies. Disruption of this splice site has been observed in individual(s) with benign familial infantile seizures (PMID: 22243967). This variant is not present in population databases (ExAC no frequency). This sequence change affects a donor splice site in intron 2 of the PRRT2 gene. It is expected to disrupt RNA splicing and likely results in an absent or disrupted protein product.

Literature cited by the submitters: PubMed 16199547; PubMed 22623405; PubMed 22744660; PubMed 22243967.

NM_145239.3(PRRT2):c.879+1_879+2insGGTCCCA

Genes: MVP-DT (MVP divergent transcript; minus strand), PRRT2 (proline rich transmembrane protein 2; plus strand). Cytogenetic location: 16p11.2.
Variant type: Insertion.
Coding change: c.879+1_879+2insGGTCCCA on transcript NM_145239.3 (MANE Select); the canonical splice donor site of the intron after coding-DNA position 879, GGTCCCA inserted.
Molecular consequence: splice donor variant. On other transcripts: frameshift variant (1).
Genome position: GRCh38 VCF-style: chr16-29813934-G-GGGTCCCA. GRCh37 (hg19) VCF-style: chr16-29825255-G-GGGTCCCA.
Other names: c.880_881insGGTCCCA, p.Val294fs (NM_001256443.2); c.879+1_879+2insGGTCCCA (NM_001256442.2); short protein forms V294fs.
Identifiers: ClinVar variation 1067116 (VCV001067116.9), dbSNP rs2142427391, ClinGen allele CA2499223482.